The following is an entry in ClinVar:

ClinVar aggregate classification (germline): Benign (0 of 4 stars; one submission).

Conditions:
NEPRO-related disorder. Also called: NEPRO-related condition.

Allele frequency attached by ClinVar (database versions not stated): gnomAD exomes 0.00048; ExAC 0.00126; ESP Exome Variant Server 0.00338; gnomAD 0.00431; TOPMed 0.00490; 1000 Genomes Project 0.00519; 1000 Genomes Project 30x 0.00578.
gnomAD v4.1: 1,392 of 1,613,250 alleles (0.086%); highest among the groups gnomAD compares: African/African-American, 1.6%; 10 homozygotes.

Submission:

PreventionGenetics, part of Exact Sciences
Classification: Benign for NEPRO-related condition. Last evaluated: 2019-10-28. Review status: no assertion criteria provided. Collection method: clinical testing. Allele origin: germline.
Comment: This variant is classified as benign based on ACMG/AMP sequence variant interpretation guidelines (Richards et al. 2015 PMID: 25741868, with internal and published modifications).

NM_015412.4(RMP64):c.921A>G (p.Ser307=)

Gene: RMP64 (ribonuclease MRP subunit p64; minus strand). Cytogenetic location: 3q13.2.
Variant type: single nucleotide variant.
Coding change: c.921A>G on transcript NM_015412.4 (MANE Select); coding-DNA position 921, A replaced by G.
Protein change: p.Ser307=; no amino-acid change (serine 307 retained).
Molecular consequence: synonymous variant.
Genome position (GRCh38, 1-based): chr3:113,010,697, T>C on the plus strand (A>G on the coding strand, the complement: RMP64 is on the minus strand). VCF-style: chr3-113010697-T-C. GRCh37 (hg19) VCF-style: chr3-112729544-T-C.
Other names: c.711A>G, p.Ser237= (NM_001319109.2); c.420A>G, p.Ser140= (NM_001319110.2); c.312A>G, p.Ser104= (NM_001319111.2); c.588A>G, p.Ser196= (NM_001319112.2); c.513A>G, p.Ser171= (NM_001319114.2); c.630A>G, p.Ser210= (NM_001319115.2).
Identifiers: ClinVar variation 3037384 (VCV003037384.2), dbSNP rs35520640, ClinGen allele CA2542036.